The following is an entry in ClinVar:

ClinVar aggregate classification (germline): Benign/Likely benign. Review status: criteria provided, multiple submitters, no conflicts (2 of 4 stars). 4 submissions from 4 submitters: Benign (1); Likely benign (2). 1 of the submissions does not count toward it. Last evaluated 2025-09-26.

Conditions:
Polycystic kidney disease. Also called: Polycystic kidney dysplasia; Kidney, Polycystic. Identifiers: MedGen C0022680, MeSH D007690, MONDO:0020642, HP:0000113.

Allele frequency attached by ClinVar (database versions not stated): 1000 Genomes Project 0.00339; 1000 Genomes Project 30x 0.00406; ExAC 0.00654; gnomAD exomes 0.00038 and 0.00145; gnomAD 0.00057 and 0.00086; TOPMed 0.00095.
gnomAD v4.1: 697 of 1,474,268 alleles (0.047%); highest among the groups gnomAD compares: East Asian, 1.6%; 3 homozygotes.

Submissions (4):

Mayo Clinic Laboratories, Mayo Clinic
Classification: Likely benign. Last evaluated: 2025-09-26. Review status: criteria provided, single submitter. Criteria: ACMG Guidelines, 2015. Collection method: clinical testing. Allele origin: germline. Observed: 3 variant alleles.
Comment: BS1, BP4, BP7

Blueprint Genetics
Classification: Likely benign. Last evaluated: 2024-11-26. Review status: criteria provided, single submitter. Criteria: ACMG Guidelines, 2015. Collection method: clinical testing. Allele origin: germline.

Athena Diagnostics
Classification: Benign. Last evaluated: 2020-09-01. Review status: criteria provided, single submitter. Criteria: Athena Diagnostics criteria. Collection method: clinical testing. Allele origin: unknown.

Department of Pathology and Laboratory Medicine, Sinai Health System
Classification: Benign for Polycystic Kidney disease. Review status: no assertion criteria provided. Collection method: clinical testing. Allele origin: unknown. Affected: yes. Observed: 1 variant allele. Study: The Canadian Open Genetics Repository (COGR). Not counted in ClinVar's aggregate classification.
Comment: The PKD1 p.Glu3872= variant was not identified in the literature, nor was it identified in the NHLBI Exome Sequencing Project, the GeneInsight COGR, ClinVar, Clinvitae, MutDB, PKD1-LOVD, and PKD1-LOVD 3.0 databases. The variant was identified in dbSNP (ID: rs370230612) as â€šÃ„ÃºNAâ€šÃ„Ã¹ and in the ADPKD Mutation Database 3X as likely neutral. The variant was further identified in 1000 Genomes Project in 17 of 5000 chromosomes (frequency: 0.0034); the genome Aggregation Database (beta, October 19th 2016) in 173 (1 homozygous) of 121366 chromosomes (freq. 0.001); the Exome Aggregation Consortium database (August 8th 2016) in 62 of 9476 chromosomes (freq. 0.007) in the following populations: East Asian in 58 of 590 chromosomes (freq. 0.098), other in 1 of 90 chromosomes (freq. 0.011), South Asian in 2 of 4318 chromosomes (freq. 0.0005), European (Non-Finnish) in 1 of 3618 chromosomes (freq. 0.0003), but was not seen in the African, Finnish, and Latino populations increasing the likelihood this could be a low frequency benign variant. In addition the variant was identified with a co-occurring pathogenic PKD2 variant (p.Arg803X), increasing the likelihood that the c.11616G>A variant does not have clinical significance. The p.Glu3872= variant is not expected to have clinical significance because it does not result in a change of amino acid and is not located in a known consensus splice site. In addition, 4 of 5 in silico or computational prediction software programs (SpliceSiteFinder, MaxEntScan, NNSPLICE, GeneSplicer, HumanSpliceFinder) do not predict a difference in splicing. In summary, based on the above information, this variant meets our laboratory criteria to be classified as benign.

Literature cited by the submitters: PubMed 23266634 (cited by Athena Diagnostics); PubMed 11558899 (cited by Athena Diagnostics).

NM_001009944.3(PKD1):c.11616G>A (p.Glu3872=)

Genes: PKD1 (polycystin 1, transient receptor potential channel interacting; minus strand), PKD1-AS1 (PKD1 antisense RNA 1; plus strand). Cytogenetic location: 16p13.3.
Variant type: single nucleotide variant.
Coding change: c.11616G>A on transcript NM_001009944.3 (MANE Select); coding-DNA position 11616, G replaced by A.
Protein change: p.Glu3872=; no amino-acid change (glutamic acid 3872 retained).
Molecular consequence: synonymous variant. On other transcripts: non-coding transcript variant (1).
Genome position (GRCh38, 1-based): chr16:2,091,519, C>T on the plus strand (G>A on the coding strand, the complement: PKD1 is on the minus strand). VCF-style: chr16-2091519-C-T. GRCh37 (hg19) VCF-style: chr16-2141520-C-T.
Other names: p.Glu3872=; c.11613G>A, p.Glu3871= (NM_000296.4).
Identifiers: ClinVar variation 994705 (VCV000994705.5), dbSNP rs370230612, ClinGen allele CA7829026.